The following is an entry in ClinVar:

NM_015629.4(PRPF31):c.1144G>T (p.Glu382Ter)

Gene: PRPF31 (pre-mRNA processing factor 31; plus strand). Cytogenetic location: 19q13.42.
Variant type: single nucleotide variant.
Coding change: c.1144G>T on transcript NM_015629.4 (MANE Select); coding-DNA position 1144, G replaced by T.
Protein change: p.Glu382Ter; replaces glutamic acid 382 with a stop codon.
Molecular consequence: nonsense.
Genome position (GRCh38, 1-based): chr19:54,128,375, G>T. VCF-style: chr19-54128375-G-T. GRCh37 (hg19) VCF-style: chr19-54631750-G-T.
Other names: short protein forms E382*.
Identifiers: ClinVar variation 4277267 (VCV004277267.1).
Genomic context (GRCh38, chr19:54,128,375, plus strand): 5'-ATGAAGGAGCGGCTGGGGCTGACGGAGATCCGGAAGCAGGCCAACCGTATGAGCTTCGGA[G>T]AGGTCAGACTCCCAGAGCGCCCTCCTCAACCCCACAGCCAGCCAGCCGCCACCGCCCTCT-3'

ClinVar aggregate classification (germline): Likely pathogenic (1 of 4 stars; one submission).

Conditions:
Retinitis pigmentosa 11 (RP11). Identifiers: Orphanet 791, MedGen C1838601, MONDO:0010828, OMIM 600138.

Submission:

MVZ Medizinische Genetik Mainz
Classification: Likely pathogenic for Retinitis pigmentosa 11. Last evaluated: 2025-08-18. Review status: criteria provided, single submitter. Criteria: UK Practice Guidelines For Variant Classification V4 01 2020. Collection method: clinical testing. Allele origin: germline. Inheritance: Autosomal dominant inheritance. Affected: yes. Observed: 1 variant allele.
Comment: ACMG Criteria: PVS1,PM2_SUP